The following is an entry in ClinVar:

ClinVar aggregate classification (germline): Benign/Likely benign. Review status: criteria provided, multiple submitters, no conflicts (2 of 4 stars). 6 submissions from 6 submitters: Benign (2); Likely benign (4). Last evaluated 2026-01-06.

Conditions:
Tuberous sclerosis 2 (TSC2). Identifiers: Orphanet 805, MedGen C1860707, MONDO:0013199, OMIM 613254.
Hereditary cancer-predisposing syndrome. Also called: Hereditary neoplastic syndrome; Neoplastic Syndromes, Hereditary; Tumor predisposition; Hereditary Cancer Syndrome. Identifiers: Orphanet 140162, MedGen C0027672, MeSH D009386, MONDO:0015356.
Tuberous sclerosis syndrome (TSC). Also called: Tuberous Sclerosis Complex; Tuberous sclerosis. Identifiers: Orphanet 805, MedGen C0041341, MONDO:0001734.

Allele frequency attached by ClinVar (database versions not stated): gnomAD exomes below 0.00001 and 0.00001; ExAC 0.00001.
gnomAD v4.1: 9 of 1,605,404 alleles (0.00056%); highest among the groups gnomAD compares: South Asian, 0.0011%; no homozygotes.

Submissions (6):

Labcorp Genetics (formerly Invitae), Labcorp
Classification: Likely benign for Tuberous sclerosis 2. Last evaluated: 2026-01-06. Review status: criteria provided, single submitter. Criteria: Invitae Variant Classification Sherloc (09022015). Collection method: clinical testing. Allele origin: germline.

Myriad Genetics, Inc.
Classification: Benign for Tuberous sclerosis 2. Last evaluated: 2025-06-09. Review status: criteria provided, single submitter. Criteria: Myriad Autosomal Dominant, Autosomal Recessive and X-Linked Classification Criteria (2023). Collection method: clinical testing. Allele origin: unknown.
Comment: This variant is considered benign. This variant is a silent/synonymous amino acid change and it is not expected to impact splicing.

All of Us Research Program, National Institutes of Health
Classification: Likely benign for Tuberous sclerosis syndrome. Last evaluated: 2023-11-20. Review status: criteria provided, single submitter. Criteria: ACMG Guidelines, 2015. Collection method: clinical testing. Allele origin: germline. Inheritance: Autosomal dominant inheritance. Observed: 1 variant allele, 1 heterozygote.
Comment: This study involves interpretation of variants in research participants for the purpose of population health screening. Participant phenotype was not available at the time of variant classification. Additional details can be found in publication PMID: 35346344, PMCID: PMC8962531

Color Diagnostics, LLC DBA Color Health
Classification: Likely benign for Tuberous sclerosis syndrome. Last evaluated: 2022-11-06. Review status: criteria provided, single submitter. Criteria: ACMG Guidelines, 2015. Collection method: clinical testing. Allele origin: germline.

Genome-Nilou Lab
Classification: Benign for Tuberous sclerosis 2. Last evaluated: 2021-11-07. Review status: criteria provided, single submitter. Criteria: ACMG Guidelines, 2015. Collection method: clinical testing. Allele origin: germline. Affected: no.

Ambry Genetics
Classification: Likely benign for Hereditary cancer-predisposing syndrome. Last evaluated: 2018-09-27. Review status: criteria provided, single submitter. Criteria: Ambry Variant Classification Scheme 2023. Collection method: clinical testing. Allele origin: germline.

NM_000548.5(TSC2):c.5409C>T (p.Phe1803=)

Gene: TSC2 (TSC complex subunit 2; plus strand). Cytogenetic location: 16p13.3.
Variant type: single nucleotide variant.
Coding change: c.5409C>T on transcript NM_000548.5 (MANE Select); coding-DNA position 5409, C replaced by T.
Protein change: p.Phe1803=; no amino-acid change (phenylalanine 1803 retained).
Molecular consequence: synonymous variant.
Genome position (GRCh38, 1-based): chr16:2,088,595, C>T. VCF-style: chr16-2088595-C-T. GRCh37 (hg19) VCF-style: chr16-2138596-C-T.
Other names: c.5208C>T, p.Phe1736= (NM_001077183.3); c.5340C>T, p.Phe1780= (NM_001114382.3); c.5100C>T, p.Phe1700= (NM_001318827.2); c.5268C>T, p.Phe1756= (NM_001370405.1); c.5280C>T, p.Phe1760= (NM_021055.3); c.5064C>T, p.Phe1688= (NM_001318829.2); c.4677C>T, p.Phe1559= (NM_001318831.2); c.5241C>T, p.Phe1747= (NM_001318832.2); and 2 more.
Identifiers: ClinVar variation 468168 (VCV000468168.21), dbSNP rs770270816, ClinGen allele CA055336.